The following is an entry in ClinVar:

NM_005359.6(SMAD4):c.930C>T (p.Phe310=)

Gene: SMAD4 (SMAD family member 4; plus strand). Cytogenetic location: 18q21.2.
Variant type: single nucleotide variant.
Coding change: c.930C>T on transcript NM_005359.6 (MANE Select); coding-DNA position 930, C replaced by T.
Protein change: p.Phe310=; no amino-acid change (phenylalanine 310 retained).
Molecular consequence: synonymous variant. On other transcripts: non-coding transcript variant (2).
Genome position (GRCh38, 1-based): chr18:51,059,891, C>T. VCF-style: chr18-51059891-C-T. GRCh37 (hg19) VCF-style: chr18-48586261-C-T.
Other names: p.Phe310=; c.930C>T, p.Phe310= (NM_001407041.1, NM_001407042.1, NM_001407043.1).
Identifiers: ClinVar variation 2416950 (VCV002416950.10), dbSNP rs876658257, ClinGen allele CA503873928.

ClinVar aggregate classification (germline): Benign/Likely benign. Review status: criteria provided, multiple submitters, no conflicts (2 of 4 stars). 4 submissions from 4 submitters: Benign (1); Likely benign (3). Last evaluated 2025-12-24.

Conditions:
Juvenile polyposis syndrome (JPS). Identifiers: Orphanet 2929, MedGen C0345893, MONDO:0017380, OMIM 174900.
Familial thoracic aortic aneurysm and aortic dissection (TAAD). Also called: Thoracic aortic aneurysms and dissections. Identifiers: Orphanet 91387, MedGen C4707243, MONDO:0019625.
Hereditary cancer-predisposing syndrome. Also called: Neoplastic Syndromes, Hereditary; Tumor predisposition; Hereditary neoplastic syndrome; Hereditary Cancer Syndrome. Identifiers: Orphanet 140162, MedGen C0027672, MeSH D009386, MONDO:0015356.
Juvenile polyposis/hereditary hemorrhagic telangiectasia syndrome (JPHT). Also called: JP/HHT SYNDROME; JUVENILE POLYPOSIS WITH HEREDITARY HEMORRHAGIC TELANGIECTASIA; POLYPOSIS, GENERALIZED JUVENILE, WITH PULMONARY ARTERIOVENOUS MALFORMATION; TELANGIECTASIA, HEREDITARY HEMORRHAGIC, WITH JUVENILE POLYPOSIS COLI; Juvenile Polyposis Syndrome / Hereditary Hemorrhagic Telangiectasia (JPS/HHT). Identifiers: Orphanet 2929, MedGen C1832942, MONDO:0008278, OMIM 175050.

Submissions (4):

Labcorp Genetics (formerly Invitae), Labcorp
Classification: Likely benign for Juvenile polyposis syndrome. Last evaluated: 2025-12-24. Review status: criteria provided, single submitter. Criteria: Invitae Variant Classification Sherloc (09022015). Collection method: clinical testing. Allele origin: germline.

Mayo Clinic Laboratories, Mayo Clinic
Classification: Likely benign. Last evaluated: 2025-04-30. Review status: criteria provided, single submitter. Criteria: ACMG Guidelines, 2015. Collection method: clinical testing. Allele origin: germline. Observed: 1 variant allele.
Comment: BP4, BP7, PM2_supporting

Myriad Genetics, Inc.
Classification: Benign for Juvenile polyposis/hereditary hemorrhagic telangiectasia syndrome. Last evaluated: 2025-03-20. Review status: criteria provided, single submitter. Criteria: Myriad Autosomal Dominant, Autosomal Recessive and X-Linked Classification Criteria (2023). Collection method: clinical testing. Allele origin: unknown.
Comment: This variant is considered benign. This variant is a silent/synonymous amino acid change and it is not expected to impact splicing.

Ambry Genetics
Classification: Likely benign for Hereditary cancer-predisposing syndrome; Familial thoracic aortic aneurysm and aortic dissection. Last evaluated: 2024-08-24. Review status: criteria provided, single submitter. Criteria: Ambry Variant Classification Scheme 2023. Collection method: clinical testing. Allele origin: germline.